The following is an entry in ClinVar:

NM_022916.6(VPS33A):c.379G>T (p.Asp127Tyr)

Gene: VPS33A (VPS33A core subunit of CORVET and HOPS complexes; minus strand). Cytogenetic location: 12q24.31.
Variant type: single nucleotide variant.
Coding change: c.379G>T on transcript NM_022916.6 (MANE Select); coding-DNA position 379, G replaced by T.
Protein change: p.Asp127Tyr; replaces aspartic acid 127 with tyrosine.
Molecular consequence: missense variant.
Genome position (GRCh38, 1-based): chr12:122,261,365, C>A on the plus strand (G>T on the coding strand, the complement: VPS33A is on the minus strand). VCF-style: chr12-122261365-C-A. GRCh37 (hg19) VCF-style: chr12-122745912-C-A.
Other names: c.346G>T, p.Asp116Tyr (NM_001351018.2); c.331G>T, p.Asp111Tyr (NM_001351019.2); c.379G>T, p.Asp127Tyr (NM_001351020.2, NM_001351021.2); short protein forms D127Y, D111Y, D116Y.
Identifiers: ClinVar variation 1402914 (VCV001402914.8), dbSNP rs2136151272, ClinGen allele CA387023828.
Genomic context (GRCh38, chr12:122,261,365, plus strand): 5'-ATGGAATGAGATCTAAGCTGTACTCCTCCCTGTGAATAAAGGATCCCAAGACACCCAGAT[C>A]CTTCAACCGCTGTTCGCACAACAGGCTACGGCGTGGCACAAACAGAATATGAAAATCTCT-3'
Protein context (NP_075067.2, residues 117-137): RSLLCEQRLK[Asp127Tyr]LGVLGSFIHR

ClinVar aggregate classification (germline): Uncertain significance (1 of 4 stars; one submission).

Allele frequency attached by ClinVar (database versions not stated): gnomAD exomes below 0.00001.
gnomAD v4.1: 1 of 1,614,010 alleles (0.000062%); highest among the groups gnomAD compares: Non-Finnish European, 0.000085%; no homozygotes.

Submission:

Labcorp Genetics (formerly Invitae), Labcorp
Classification: Uncertain significance. Last evaluated: 2021-07-09. Review status: criteria provided, single submitter. Criteria: Invitae Variant Classification Sherloc (09022015). Collection method: clinical testing. Allele origin: germline.
Comment: In summary, the available evidence is currently insufficient to determine the role of this variant in disease. Therefore, it has been classified as a Variant of Uncertain Significance. Algorithms developed to predict the effect of sequence changes on RNA splicing suggest that this variant may create or strengthen a splice site. Algorithms developed to predict the effect of missense changes on protein structure and function are either unavailable or do not agree on the potential impact of this missense change (SIFT: "Deleterious"; PolyPhen-2: "Possibly Damaging"; Align-GVGD: "Class C0"). This variant has not been reported in the literature in individuals affected with VPS33A-related conditions. This variant is not present in population databases (ExAC no frequency). This sequence change replaces aspartic acid with tyrosine at codon 127 of the VPS33A protein (p.Asp127Tyr). The aspartic acid residue is weakly conserved and there is a large physicochemical difference between aspartic acid and tyrosine.